The following is an entry in ClinVar:

NM_018062.4(FANCL):c.533C>A (p.Thr178Lys)

Gene: FANCL (FA complementation group L; minus strand). Cytogenetic location: 2p16.1.
Variant type: single nucleotide variant.
Coding change: c.533C>A on transcript NM_018062.4 (MANE Select); coding-DNA position 533, C replaced by A.
Protein change: p.Thr178Lys; replaces threonine 178 with lysine.
Molecular consequence: missense variant.
Genome position (GRCh38, 1-based): chr2:58,198,601, G>T on the plus strand (C>A on the coding strand, the complement: FANCL is on the minus strand). VCF-style: chr2-58198601-G-T. GRCh37 (hg19) VCF-style: chr2-58425736-G-T.
Other names: c.533C>A, p.Thr178Lys (NM_001114636.2, NM_001374615.1, NM_001410792.1); short protein forms T178K.
Identifiers: ClinVar variation 898371 (VCV000898371.7), dbSNP rs1689674094, ClinGen allele CA347033863.
Genomic context (GRCh38, chr2:58,198,601, plus strand): 5'-GTACTTTTTAATTACTTAAAACAAATTTAAGAATTTACCTGAGGAGAATTTACCTGAGGT[G>T]TCCAGGAGGCACAAAATGGAACAGGAAAATCCACAAAATAATCTGGTGATTCTGCAGGAT-3'
Protein context (NP_060532.2, residues 168-188): DFPVPFCASW[Thr178Lys]PQSSLISIYS

ClinVar aggregate classification (germline): Uncertain significance. Review status: criteria provided, multiple submitters, no conflicts (2 of 4 stars). 2 submissions from 2 submitters: Uncertain significance (2). Last evaluated 2022-11-17.

Conditions:
Fanconi anemia complementation group L (FANCL). Also called: FANCL-Related Fanconi Anemia. Identifiers: Orphanet 84, MedGen C3469528, MONDO:0013566, OMIM 614083.
Fanconi anemia (FA). Also called: Fanconi's anemia. Identifiers: Orphanet 84, MedGen C0015625, MeSH D005199, MONDO:0019391.

Submissions (2):

Labcorp Genetics (formerly Invitae), Labcorp
Classification: Uncertain significance for Fanconi anemia. Last evaluated: 2022-11-17. Review status: criteria provided, single submitter. Criteria: Invitae Variant Classification Sherloc (09022015). Collection method: clinical testing. Allele origin: germline.
Comment: In summary, the available evidence is currently insufficient to determine the role of this variant in disease. Therefore, it has been classified as a Variant of Uncertain Significance. Advanced modeling of protein sequence and biophysical properties (such as structural, functional, and spatial information, amino acid conservation, physicochemical variation, residue mobility, and thermodynamic stability) performed at Invitae indicates that this missense variant is not expected to disrupt FANCL protein function. ClinVar contains an entry for this variant (Variation ID: 898371). This variant has not been reported in the literature in individuals affected with FANCL-related conditions. This variant is not present in population databases (gnomAD no frequency). This sequence change replaces threonine, which is neutral and polar, with lysine, which is basic and polar, at codon 178 of the FANCL protein (p.Thr178Lys).

Illumina Laboratory Services, Illumina
Classification: Uncertain significance for Fanconi anemia complementation group L. Last evaluated: 2018-01-15. Review status: criteria provided, single submitter. Criteria: ICSL Variant Classification Criteria 13 December 2019. Collection method: clinical testing. Allele origin: germline.